The following is an entry in ClinVar:

ClinVar aggregate classification (germline): Pathogenic (1 of 4 stars; one submission).

Conditions:
Camptomelic dysplasia (CMPD). Also called: Campomelic Dysplasia; CMPD1/SRA1. Identifiers: Orphanet 140, MedGen C1861922, MONDO:0007251, OMIM 114290.

Submission:

Labcorp Genetics (formerly Invitae), Labcorp
Classification: Pathogenic for Camptomelic dysplasia. Last evaluated: 2024-07-14. Review status: criteria provided, single submitter. Criteria: Invitae Variant Classification Sherloc (09022015). Collection method: clinical testing. Allele origin: germline.
Comment: This sequence change creates a premature translational stop signal (p.Met91Alafs*160) in the SOX9 gene. While this is not anticipated to result in nonsense mediated decay, it is expected to disrupt the last 419 amino acid(s) of the SOX9 protein. This variant is not present in population databases (gnomAD no frequency). This variant has not been reported in the literature in individuals affected with SOX9-related conditions. This variant disrupts a region of the SOX9 protein in which other variant(s) (p.Tyr440*) have been determined to be pathogenic (PMID: 8001137, 9002675, 9452058; Invitae). This suggests that this is a clinically significant region of the protein, and that variants that disrupt it are likely to be disease-causing. For these reasons, this variant has been classified as Pathogenic.

Literature cited by the submitters: PubMed 8001137; PubMed 9002675; PubMed 9452058.

NM_000346.4(SOX9):c.271_272del (p.Met91fs)

Genes: SOX9 (SRY-box transcription factor 9; plus strand), LOC108021846 (SOX9 promoter region; plus strand). Cytogenetic location: 17q24.3.
Variant type: Deletion.
Coding change: c.271_272del on transcript NM_000346.4 (MANE Select); coding-DNA positions 271 to 272, 2 bases deleted (AT; older notation c.271_272delAT).
Protein change: p.Met91fs; shifts the reading frame from methionine 91.
Molecular consequence: frameshift variant.
Genome position (GRCh38, 1-based): chr17:72,121,662-72,121,663, AT deleted. VCF-style (leftmost placement, unchanged base first): chr17-72121661-CAT-C. GRCh37 (hg19) VCF-style: chr17-70117802-CAT-C.
Other names: short protein forms M91fs.
Identifiers: ClinVar variation 3653482 (VCV003653482.2).